The following is an entry in ClinVar:

ClinVar aggregate classification (germline): Uncertain significance. Review status: criteria provided, multiple submitters, no conflicts (2 of 4 stars). 3 submissions from 3 submitters: Uncertain significance (3). Last evaluated 2025-06-23.

Conditions:
Autoinflammatory-pancytopenia syndrome due to DNASE2 deficiency. Also called: Autoinflammatory-pancytopenia syndrome. Identifiers: MedGen C5676977, MONDO:0800132, OMIM 619858.

Allele frequency attached by ClinVar (database versions not stated): gnomAD exomes 0.00014; gnomAD 0.00055 and 0.00063; TOPMed 0.00063; ESP Exome Variant Server 0.00077; 1000 Genomes Project 0.00020; 1000 Genomes Project 30x 0.00016; ExAC 0.00018.

Submissions (3):

Revvity Omics, Revvity
Classification: Uncertain significance for Autoinflammatory-pancytopenia syndrome due to DNASE2 deficiency. Last evaluated: 2025-06-23. Review status: criteria provided, single submitter. Criteria: ACMG Guidelines, 2015. Collection method: clinical testing. Allele origin: germline.

Labcorp Genetics (formerly Invitae), Labcorp
Classification: Uncertain significance. Last evaluated: 2022-09-29. Review status: criteria provided, single submitter. Criteria: Invitae Variant Classification Sherloc (09022015). Collection method: clinical testing. Allele origin: germline.
Comment: This sequence change replaces alanine, which is neutral and non-polar, with aspartic acid, which is acidic and polar, at codon 332 of the DNASE2 protein (p.Ala332Asp). This variant is present in population databases (rs138534991, gnomAD 0.2%). This variant has not been reported in the literature in individuals affected with DNASE2-related conditions. ClinVar contains an entry for this variant (Variation ID: 1493258). Algorithms developed to predict the effect of missense changes on protein structure and function are either unavailable or do not agree on the potential impact of this missense change (SIFT: "Tolerated"; PolyPhen-2: "Possibly Damaging"; Align-GVGD: "Class C0"). Experimental studies are conflicting or provide insufficient evidence to determine the effect of this variant on DNASE2 function (PMID: 24242851). In summary, the available evidence is currently insufficient to determine the role of this variant in disease. Therefore, it has been classified as a Variant of Uncertain Significance.

Breakthrough Genomics
Classification: Uncertain significance. Review status: criteria provided, single submitter. Criteria: ACMG Guidelines, 2015. Collection method: not provided. Allele origin: germline. Inheritance: Autosomal recessive inheritance. Affected: yes.

Literature cited by the submitters: PubMed 24242851 (cited by Labcorp Genetics (formerly Invitae), Labcorp).

NM_001375.3(DNASE2):c.995C>A (p.Ala332Asp)

Gene: DNASE2 (deoxyribonuclease 2, lysosomal; minus strand). Cytogenetic location: 19p13.13.
Variant type: single nucleotide variant.
Coding change: c.995C>A on transcript NM_001375.3 (MANE Select); coding-DNA position 995, C replaced by A.
Protein change: p.Ala332Asp; replaces alanine 332 with aspartic acid.
Molecular consequence: missense variant.
Genome position (GRCh38, 1-based): chr19:12,876,078, G>T on the plus strand (C>A on the coding strand, the complement: DNASE2 is on the minus strand). VCF-style: chr19-12876078-G-T. GRCh37 (hg19) VCF-style: chr19-12986892-G-T.
Other names: short protein forms A332D.
Identifiers: ClinVar variation 1493258 (VCV001493258.7), dbSNP rs138534991, ClinGen allele CA9233657.
Genomic context (GRCh38, chr19:12,876,078, plus strand): 5'-CTGGCCATGCCATTACAGGGCTGGTAGTTCTTCACCAGCGGCTGGAAGGCTTTCCAGAGG[G>T]CTGGCAGCTGGGCACACAGTGTGCCCCCACCCCGTTGCTCCTCTCCCTGGTTCCGATTCA-3'
Protein context (NP_001366.1, residues 322-342): GGGTLCAQLP[Ala332Asp]LWKAFQPLVK